The following is an entry in ClinVar:

ClinVar aggregate classification (germline): Uncertain significance (1 of 4 stars; one submission).

Conditions:
Inborn genetic diseases. Identifiers: MedGen C0950123, MeSH D030342.

Submission:

Ambry Genetics
Classification: Uncertain significance for Inborn genetic diseases. Last evaluated: 2024-12-03. Review status: criteria provided, single submitter. Criteria: Ambry Variant Classification Scheme 2023. Collection method: clinical testing. Allele origin: germline.
Comment: The p.S313R variant (also known as c.939C>G), located in coding exon 5 of the RECQL4 gene, results from a C to G substitution at nucleotide position 939. The serine at codon 313 is replaced by arginine, an amino acid with dissimilar properties. This amino acid position is conserved. In addition, this alteration is predicted to be tolerated by in silico analysis. Based on the available evidence, the clinical significance of this variant remains unclear.

NM_004260.4(RECQL4):c.939C>G (p.Ser313Arg)

Gene: RECQL4 (RecQ like helicase 4; minus strand). Cytogenetic location: 8q24.3.
Variant type: single nucleotide variant.
Coding change: c.939C>G on transcript NM_004260.4 (MANE Select); coding-DNA position 939, C replaced by G.
Protein change: p.Ser313Arg; replaces serine 313 with arginine.
Molecular consequence: missense variant. On other transcripts: 5 prime UTR variant (17), non-coding transcript variant (3).
Genome position (GRCh38, 1-based): chr8:144,516,180, G>C on the plus strand (C>G on the coding strand, the complement: RECQL4 is on the minus strand). VCF-style: chr8-144516180-G-C. GRCh37 (hg19) VCF-style: chr8-145741564-G-C.
Other names: c.939C>G, p.Ser313Arg (NM_001413017.1, NM_001413018.1, NM_001413019.1 and 4 more transcripts); c.-133C>G (NM_001413021.1, NM_001413022.1, NM_001413023.1 and 7 more transcripts); c.810C>G, p.Ser270Arg (NM_001413025.1); c.-195C>G (NM_001413027.1, NM_001413030.1, NM_001413031.1 and 2 more transcripts); c.588C>G, p.Ser196Arg (NM_001413029.1); c.-37C>G (NM_001413034.1); c.-402C>G (NM_001413043.1); short protein forms S196R, S270R, S313R.
Identifiers: ClinVar variation 3431908 (VCV003431908.1).